The following is an entry in ClinVar:

NM_016529.6(ATP8A2):c.2936C>T (p.Pro979Leu)

Gene: ATP8A2 (ATPase phospholipid transporting 8A2). Cytogenetic location: 13q12.13.
Variant type: single nucleotide variant.
Coding change: c.2936C>T on transcript NM_016529.6 (MANE Select); coding-DNA position 2936, C replaced by T.
Protein change: p.Pro979Leu; replaces proline 979 with leucine.
Molecular consequence: missense variant.
Genome position (GRCh38, 1-based): chr13:25,839,604, C>T. VCF-style: chr13-25839604-C-T. GRCh37 (hg19) VCF-style: chr13-26413742-C-T.
Other names: c.2741C>T, p.Pro914Leu (NM_001313741.1); short protein forms P979L, P914L.
Identifiers: ClinVar variation 1359601 (VCV001359601.8), dbSNP rs1951708157, ClinGen allele CA387683335.

ClinVar aggregate classification (germline): Uncertain significance (1 of 4 stars; one submission).

Allele frequency attached by ClinVar (database versions not stated): TOPMed below 0.00001.

Submission:

Labcorp Genetics (formerly Invitae), Labcorp
Classification: Uncertain significance. Last evaluated: 2021-03-08. Review status: criteria provided, single submitter. Criteria: Invitae Variant Classification Sherloc (09022015). Collection method: clinical testing. Allele origin: germline.
Comment: Algorithms developed to predict the effect of missense changes on protein structure and function are either unavailable or do not agree on the potential impact of this missense change (SIFT: "Tolerated"; PolyPhen-2: "Probably Damaging"; Align-GVGD: "Class C0"). In summary, the available evidence is currently insufficient to determine the role of this variant in disease. Therefore, it has been classified as a Variant of Uncertain Significance. This variant has not been reported in the literature in individuals with ATP8A2-related conditions. This sequence change replaces proline with leucine at codon 979 of the ATP8A2 protein (p.Pro979Leu). The proline residue is weakly conserved and there is a moderate physicochemical difference between proline and leucine. This variant is not present in population databases (ExAC no frequency).